The following is an entry in ClinVar:

NM_001165963.4(SCN1A):c.3553del (p.Cys1185fs)

Genes: SCN1A (sodium voltage-gated channel alpha subunit 1; minus strand), LOC102724058 (uncharacterized LOC102724058; plus strand). Cytogenetic location: 2q24.3.
Variant type: Deletion.
Coding change: c.3553del on transcript NM_001165963.4 (MANE Select); coding-DNA position 3553, one base deleted (T; older notation c.3553delT).
Protein change: p.Cys1185fs; shifts the reading frame from cysteine 1185.
Molecular consequence: frameshift variant. On other transcripts: non-coding transcript variant (1).
Genome position (GRCh38, 1-based): chr2:166,013,896, A deleted on the plus strand (T on the coding strand, the reverse complement: SCN1A is on the minus strand). VCF-style (leftmost placement, unchanged base first): chr2-166013895-CA-C. GRCh37 (hg19) VCF-style: chr2-166870405-CA-C.
Other names: c.3469del, p.Cys1157fs (NM_001165964.3, NM_001353957.2, NM_001353958.2); c.3553del, p.Cys1185fs (NM_001202435.3, NM_001353948.2); c.3520del, p.Cys1174fs (NM_001353949.2, NM_001353950.2, NM_001353951.2 and 2 more transcripts); c.3517del, p.Cys1173fs (NM_001353954.2, NM_001353955.2); c.3466del, p.Cys1156fs (NM_001353960.2); c.1111del, p.Cys371fs (NM_001353961.2); short protein forms C1157fs, C1174fs, C371fs, C1173fs, C1156fs, C1185fs.
Identifiers: ClinVar variation 206906 (VCV000206906.1), dbSNP rs796053068, ClinGen allele CA317721.

ClinVar aggregate classification (germline): Pathogenic (1 of 4 stars; one submission).

Submission:

GeneDx
Classification: Pathogenic. Last evaluated: 2014-05-30. Review status: criteria provided, single submitter. Criteria: GeneDx Variant Classification (06012015). Collection method: clinical testing. Allele origin: germline. Affected: yes.
Comment: c.3553delT: p.Cys1185ValfsX23 (C1185VfsX23) in exon 18 of the SCN1A gene (NM_001165963.1). The normal sequence with the deleted in braces is: GC{T}GTGT. The c.3553delT mutation in the SCN1A gene causes a frameshift starting with codon Cysteine 1185, changes this amino acid to a Valine residue and creates a premature Stop codon at position 23 of the new reading frame, denoted p.Cys1185ValfsX23. This mutation is predicted to cause loss of normal protein function either through protein truncation or nonsense-medicated mRNA decay. Although this mutation has not been previously reported to our knowledge, its presence is consistent with a diagnosis of the SCN1A-related disorder. The variant is found in CHILD-EPI panel(s).